The following is an entry in ClinVar:

NM_005391.5(PDK3):c.355C>T (p.His119Tyr)

Gene: PDK3 (pyruvate dehydrogenase kinase 3; plus strand). Cytogenetic location: Xp22.11.
Variant type: single nucleotide variant.
Coding change: c.355C>T on transcript NM_005391.5 (MANE Select); coding-DNA position 355, C replaced by T.
Protein change: p.His119Tyr; replaces histidine 119 with tyrosine.
Molecular consequence: missense variant.
Genome position (GRCh38, 1-based): chrX:24,503,361, C>T. VCF-style: chrX-24503361-C-T. GRCh37 (hg19) VCF-style: chrX-24521478-C-T.
Other names: c.355C>T, p.His119Tyr (NM_001142386.3); short protein forms H119Y.
Identifiers: ClinVar variation 2849557 (VCV002849557.3), dbSNP rs2518579504, ClinGen allele CA412605180.

ClinVar aggregate classification (germline): Uncertain significance (1 of 4 stars; one submission).

Conditions:
Charcot-Marie-Tooth disease X-linked dominant 6. Also called: CHARCOT-MARIE-TOOTH NEUROPATHY, X-LINKED DOMINANT, 6. Identifiers: Orphanet 352675, MedGen C3806702, MONDO:0010479, OMIM 300905.

Submission:

Labcorp Genetics (formerly Invitae), Labcorp
Classification: Uncertain significance for Charcot-Marie-Tooth disease X-linked dominant 6. Last evaluated: 2023-03-26. Review status: criteria provided, single submitter. Criteria: Invitae Variant Classification Sherloc (09022015). Collection method: clinical testing. Allele origin: germline.
Comment: In summary, the available evidence is currently insufficient to determine the role of this variant in disease. Therefore, it has been classified as a Variant of Uncertain Significance. This sequence change replaces histidine, which is basic and polar, with tyrosine, which is neutral and polar, at codon 119 of the PDK3 protein (p.His119Tyr). This variant is not present in population databases (gnomAD no frequency). This variant has not been reported in the literature in individuals affected with PDK3-related conditions. Advanced modeling of protein sequence and biophysical properties (such as structural, functional, and spatial information, amino acid conservation, physicochemical variation, residue mobility, and thermodynamic stability) performed at Invitae indicates that this missense variant is expected to disrupt PDK3 protein function.